The following is an entry in ClinVar:

ClinVar aggregate classification (germline): Conflicting classifications of pathogenicity. Review status: criteria provided, conflicting classifications (1 of 4 stars). 4 submissions from 4 submitters: Uncertain significance (3); Likely benign (1). Last evaluated 2023-03-23.

Conditions:
Hereditary breast ovarian cancer syndrome. Also called: Hereditary breast and ovarian cancer syndrome; Breast and ovarian cancer; Hereditary breast and ovarian cancer; Hereditary breast and/or ovarian cancer syndrome; Hereditary breast and ovarian cancer syndrome (HBOC); BRCA1- and BRCA2-Associated Hereditary Breast and Ovarian Cancer. Identifiers: Orphanet 145, MedGen C0677776, MeSH D061325, MONDO:0003582. Disease mechanism: loss of function.
Hereditary cancer-predisposing syndrome. Also called: Hereditary neoplastic syndrome; Tumor predisposition; Neoplastic Syndromes, Hereditary; Hereditary Cancer Syndrome. Identifiers: Orphanet 140162, MedGen C0027672, MeSH D009386, MONDO:0015356.

Submissions (4):

University of Washington Department of Laboratory Medicine, University of Washington
Classification: Likely benign for Hereditary cancer-predisposing syndrome. Last evaluated: 2023-03-23. Review status: criteria provided, single submitter. Criteria: Dines et al. (Genet Med. 2020). Collection method: curation. Allele origin: germline.
Comment: Missense variant in a coldspot region where missense variants are very unlikely to be pathogenic (PMID:31911673).

BRCA1 coldspot (exon 11 using historical exon numbering). Reclassification based on statistical prior probability

Labcorp Genetics (formerly Invitae), Labcorp
Classification: Uncertain significance for Hereditary breast ovarian cancer syndrome. Last evaluated: 2022-09-22. Review status: criteria provided, single submitter. Criteria: Invitae Variant Classification Sherloc (09022015). Collection method: clinical testing. Allele origin: germline.
Comment: In summary, the available evidence is currently insufficient to determine the role of this variant in disease. Therefore, it has been classified as a Variant of Uncertain Significance. Advanced modeling of protein sequence and biophysical properties (such as structural, functional, and spatial information, amino acid conservation, physicochemical variation, residue mobility, and thermodynamic stability) performed at Invitae indicates that this missense variant is not expected to disrupt BRCA1 protein function. ClinVar contains an entry for this variant (Variation ID: 1692963). This variant has not been reported in the literature in individuals affected with BRCA1-related conditions. This variant is not present in population databases (gnomAD no frequency). This sequence change replaces serine, which is neutral and polar, with isoleucine, which is neutral and non-polar, at codon 1040 of the BRCA1 protein (p.Ser1040Ile).

Ambry Genetics
Classification: Uncertain significance for Hereditary cancer-predisposing syndrome. Last evaluated: 2022-05-02. Review status: criteria provided, single submitter. Criteria: Ambry Variant Classification Scheme 2023. Collection method: clinical testing. Allele origin: germline.
Comment: The p.S1040I variant (also known as c.3119G>T), located in coding exon 9 of the BRCA1 gene, results from a G to T substitution at nucleotide position 3119. The serine at codon 1040 is replaced by isoleucine, an amino acid with dissimilar properties. This amino acid position is conserved. In addition, the in silico prediction for this alteration is inconclusive. Since supporting evidence is limited at this time, the clinical significance of this alteration remains unclear.

Sema4
Classification: Uncertain significance for Hereditary cancer-predisposing syndrome. Last evaluated: 2021-07-27. Review status: criteria provided, single submitter. Criteria: Sema4 Curation Guidelines. Collection method: curation. Allele origin: germline.
Comment: The BRCA1 c.3119G>T (p.S1040I) variant has not been reported in the literature to our knowledge. It was not observed in the large and broad cohorts of the Genome Aggregation Database (PMID: 32461654). The variant has not been reported in ClinVar. Functional studies have not been performed and in silico tool predictions of the variant's effect on protein function are inconclusive. The evidence is insufficient to meet ACMG/AMP criteria for classifying the variant as benign or pathogenic. Thus, the clinical significance of this variant is currently uncertain.

NM_007294.4(BRCA1):c.3119G>T (p.Ser1040Ile)

Gene: BRCA1 (BRCA1 DNA repair associated; minus strand). Cytogenetic location: 17q21.31.
Variant type: single nucleotide variant.
Coding change: c.3119G>T on transcript NM_007294.4 (MANE Select); coding-DNA position 3119, G replaced by T.
Protein change: p.Ser1040Ile; replaces serine 1040 with isoleucine.
Molecular consequence: missense variant. On other transcripts: intron variant (137).
Genome position (GRCh38, 1-based): chr17:43,092,412, C>A on the plus strand (G>T on the coding strand, the complement: BRCA1 is on the minus strand). VCF-style: chr17-43092412-C-A. GRCh37 (hg19) VCF-style: chr17-41244429-C-A.
Other names: c.2978G>T, p.Ser993Ile (NM_001407852.1, NM_001407850.1, NM_001407851.1 and 29 more transcripts); c.2906G>T, p.Ser969Ile (NM_001407853.1, NM_001407894.1, NM_001407895.1 and 9 more transcripts); c.3119G>T, p.Ser1040Ile (NM_001407854.1, NM_001407858.1, NM_001407859.1 and 30 more transcripts); c.3116G>T, p.Ser1039Ile (NM_001407860.1, NM_001407861.1, NM_001407587.1 and 22 more transcripts); c.2918G>T, p.Ser973Ile (NM_001407862.1); c.2996G>T, p.Ser999Ile (NM_001407863.1, NM_001407919.1, NM_001407937.1 and 19 more transcripts); c.2915G>T, p.Ser972Ile (NM_001407874.1, NM_001407875.1); c.2909G>T, p.Ser970Ile (NM_001407879.1, NM_001407881.1, NM_001407882.1 and 13 more transcripts); and 41 more; short protein forms S1040I, S993I, S1014I, S912I, S913I, S972I, S992I, S1013I.
Identifiers: ClinVar variation 1692963 (VCV001692963.11), dbSNP rs4986852, ClinGen allele CA10595746.